The following is an entry in ClinVar:

NM_012431.3(SEMA3E):c.2056G>A (p.Asp686Asn)

Gene: SEMA3E (semaphorin 3E; minus strand). Cytogenetic location: 7q21.11.
Variant type: single nucleotide variant.
Coding change: c.2056G>A on transcript NM_012431.3 (MANE Select); coding-DNA position 2056, G replaced by A.
Protein change: p.Asp686Asn; replaces aspartic acid 686 with asparagine.
Molecular consequence: missense variant.
Genome position (GRCh38, 1-based): chr7:83,367,858, C>T on the plus strand (G>A on the coding strand, the complement: SEMA3E is on the minus strand). VCF-style: chr7-83367858-C-T. GRCh37 (hg19) VCF-style: chr7-82997174-C-T.
Other names: c.1876G>A, p.Asp626Asn (NM_001178129.2); short protein forms D626N, D686N.
Identifiers: ClinVar variation 2636604 (VCV002636604.1), dbSNP rs772478336, ClinGen allele CA4321833.
Genomic context (GRCh38, chr7:83,367,858, plus strand): 5'-CTCCCTGCGAGATGCTACTCTGAGCAGGACAAGGCATCCTGTGATGCCTGTCCTCCTCAT[C>T]GTCCTTGTTAAACATATCCTCGACTTTCTCCTCTTCCACTACCTCCAAGGTGATTTTACG-3'
Protein context (NP_036563.1, residues 676-696): EKVEDMFNKD[Asp686Asn]EEDRHHRMPC

ClinVar aggregate classification (germline): Uncertain significance (1 of 4 stars; one submission).

Conditions:
SEMA3E-related disorder. Also called: SEMA3E-related condition.

Allele frequency attached by ClinVar (database versions not stated): gnomAD exomes 0.00001; TOPMed 0.00001; ExAC 0.00003.
gnomAD v4.1: 6 of 1,612,816 alleles (0.00037%); highest among the groups gnomAD compares: East Asian, 0.0089%; no homozygotes.

Submission:

PreventionGenetics, part of Exact Sciences
Classification: Uncertain significance for SEMA3E-related condition. Last evaluated: 2023-06-19. Review status: criteria provided, single submitter. Criteria: ACMG Guidelines, 2015. Collection method: clinical testing. Allele origin: germline.
Comment: The SEMA3E c.2056G>A variant is predicted to result in the amino acid substitution p.Asp686Asn. To our knowledge, this variant has not been reported in the literature. This variant is reported in 0.016% of alleles in individuals of East Asian descent in gnomAD. At this time, the clinical significance of this variant is uncertain due to the absence of conclusive functional and genetic evidence.